The following is an entry in ClinVar:

ClinVar aggregate classification (germline): Uncertain significance. Review status: criteria provided, multiple submitters, no conflicts (2 of 4 stars). 3 submissions from 3 submitters: Uncertain significance (3). Last evaluated 2025-04-28.

Conditions:
Inborn genetic diseases. Identifiers: MedGen C0950123, MeSH D030342.
Nephronophthisis. Also called: Juvenile Nephronophthisis. Identifiers: Orphanet 655, MedGen C0687120, MONDO:0019005, HP:0000090.
Joubert syndrome. Also called: Familial aplasia of the vermis; JOUBERT-BOLTSHAUSER SYNDROME. Identifiers: Orphanet 475, MedGen C5979921, MONDO:0018772.
Meckel-Gruber syndrome. Also called: DYSENCEPHALIA SPLANCHNOCYSTICA; Dysencephalia splachnocystica; GRUBER SYNDROME. Identifiers: Orphanet 564, MedGen C0265215, MONDO:0018921.

gnomAD v4.1: 3 of 1,446,210 alleles (0.00021%); highest among the groups gnomAD compares: African/African-American, 0.0029%; no homozygotes.

Submissions (3):

Labcorp Genetics (formerly Invitae), Labcorp
Classification: Uncertain significance for Joubert syndrome; Meckel-Gruber syndrome; Nephronophthisis. Last evaluated: 2025-04-28. Review status: criteria provided, single submitter. Criteria: Invitae Variant Classification Sherloc (09022015). Collection method: clinical testing. Allele origin: germline.
Comment: This sequence change replaces arginine, which is basic and polar, with proline, which is neutral and non-polar, at codon 816 of the CEP290 protein (p.Arg816Pro). This variant is not present in population databases (gnomAD no frequency). This variant has not been reported in the literature in individuals affected with CEP290-related conditions. ClinVar contains an entry for this variant (Variation ID: 1378930). Invitae Evidence Modeling of protein sequence and biophysical properties (such as structural, functional, and spatial information, amino acid conservation, physicochemical variation, residue mobility, and thermodynamic stability) indicates that this missense variant is expected to disrupt CEP290 protein function with a positive predictive value of 80%. In summary, the available evidence is currently insufficient to determine the role of this variant in disease. Therefore, it has been classified as a Variant of Uncertain Significance.

Ambry Genetics
Classification: Uncertain significance for Inborn genetic diseases. Last evaluated: 2024-05-14. Review status: criteria provided, single submitter. Criteria: Ambry Variant Classification Scheme 2023. Collection method: clinical testing. Allele origin: germline.

Blueprint Genetics
Classification: Uncertain significance. Last evaluated: 2022-05-10. Review status: criteria provided, single submitter. Criteria: ACMG Guidelines, 2015. Collection method: clinical testing. Allele origin: germline.

NM_025114.4(CEP290):c.2447G>C (p.Arg816Pro)

Gene: CEP290 (centrosomal protein 290; minus strand). Cytogenetic location: 12q21.32.
Variant type: single nucleotide variant.
Coding change: c.2447G>C on transcript NM_025114.4 (MANE Select); coding-DNA position 2447, G replaced by C.
Protein change: p.Arg816Pro; replaces arginine 816 with proline.
Molecular consequence: missense variant.
Genome position (GRCh38, 1-based): chr12:88,109,102, C>G on the plus strand (G>C on the coding strand, the complement: CEP290 is on the minus strand). VCF-style: chr12-88109102-C-G. GRCh37 (hg19) VCF-style: chr12-88502879-C-G.
Other names: c.2447G>C (NM_025114.3); short protein forms R816P.
Identifiers: ClinVar variation 1378930 (VCV001378930.7), dbSNP rs768448895, ClinGen allele CA385972703.